The following is an entry in ClinVar:

NM_000535.7(PMS2):c.2365A>G (p.Met789Val)

Gene: PMS2 (PMS1 homolog 2, mismatch repair system component; minus strand). Cytogenetic location: 7p22.1.
Variant type: single nucleotide variant.
Coding change: c.2365A>G on transcript NM_000535.7 (MANE Select); coding-DNA position 2365, A replaced by G.
Protein change: p.Met789Val; replaces methionine 789 with valine.
Molecular consequence: missense variant. On other transcripts: non-coding transcript variant (1).
Genome position (GRCh38, 1-based): chr7:5,977,668, T>C on the plus strand (A>G on the coding strand, the complement: PMS2 is on the minus strand). VCF-style: chr7-5977668-T-C. GRCh37 (hg19) VCF-style: chr7-6017299-T-C.
Other names: c.1960A>G, p.Met654Val (NM_001322003.2, NM_001322004.2, NM_001322005.2); c.2209A>G, p.Met737Val (NM_001322006.2); c.2047A>G, p.Met683Val (NM_001322007.2, NM_001322008.2); c.1993A>G, p.Met665Val (NM_001322009.2); c.1804A>G, p.Met602Val (NM_001322010.2); c.1432A>G, p.Met478Val (NM_001322011.2, NM_001322012.2); c.1792A>G, p.Met598Val (NM_001322013.2); c.2398A>G, p.Met800Val (NM_001322014.2); and 1 more; short protein forms M686V, M602V, M598V, M478V, M654V, M665V, M683V, M737V.
Identifiers: ClinVar variation 821157 (VCV000821157.16), dbSNP rs377259633, ClinGen allele CA366735820.
Genomic context (GRCh38, chr7:5,977,668, plus strand): 5'-AGGCAAACATCTGCTTGACTCGGGAAGGCCGGCACATGACCCCAGGGCTGTCGCTCAGCA[T>C]GAAGATCAGTTCATCGACGTCCTGGGGTCCGAAGGTCCAGTTTTTACTAGTTGGCAAGGA-3'
Protein context (NP_000526.2, residues 779-799): GPQDVDELIF[Met789Val]LSDSPGVMCR

ClinVar aggregate classification (germline): Uncertain significance. Review status: criteria provided, multiple submitters, no conflicts (2 of 4 stars). 4 submissions from 4 submitters: Uncertain significance (4). Last evaluated 2024-10-08.

Conditions:
Hereditary nonpolyposis colorectal neoplasms. Identifiers: MedGen C0009405, MeSH D003123.
Lynch syndrome 4 (LYNCH4). Also called: Colorectal cancer, hereditary nonpolyposis, type 4; Hereditary non-polyposis colorectal cancer, type 4. Identifiers: Orphanet 144, MedGen C1838333, MONDO:0013699, OMIM 614337. Disease mechanism: loss of function.
Hereditary cancer-predisposing syndrome. Also called: Neoplastic Syndromes, Hereditary; Tumor predisposition; Hereditary Cancer Syndrome; Hereditary neoplastic syndrome. Identifiers: Orphanet 140162, MedGen C0027672, MeSH D009386, MONDO:0015356.

Submissions (4):

Ambry Genetics
Classification: Uncertain significance for Hereditary cancer-predisposing syndrome. Last evaluated: 2024-10-08. Review status: criteria provided, single submitter. Criteria: Ambry Variant Classification Scheme 2023. Collection method: clinical testing. Allele origin: germline.
Comment: The p.M789V variant (also known as c.2365A>G), located in coding exon 14 of the PMS2 gene, results from an A to G substitution at nucleotide position 2365. The methionine at codon 789 is replaced by valine, an amino acid with highly similar properties. This amino acid position is well conserved in available vertebrate species. In addition, the in silico prediction for this alteration is inconclusive. Based on the available evidence, the clinical significance of this variant remains unclear.

Color Diagnostics, LLC DBA Color Health
Classification: Uncertain significance for Hereditary cancer-predisposing syndrome. Last evaluated: 2024-06-03. Review status: criteria provided, single submitter. Criteria: ACMG Guidelines, 2015. Collection method: clinical testing. Allele origin: germline.
Comment: This missense variant replaces methionine with valine at codon 789 of the PMS2 protein. Computational prediction suggests that this variant may not impact protein structure and function (internally defined REVEL score threshold <= 0.5, PMID: 27666373). To our knowledge, functional studies have not been reported for this variant. This variant has not been reported in individuals affected with PMS2-related disorders in the literature. This variant has not been identified in the general population by the Genome Aggregation Database (gnomAD). The available evidence is insufficient to determine the role of this variant in disease conclusively. Therefore, this variant is classified as a Variant of Uncertain Significance.

Labcorp Genetics (formerly Invitae), Labcorp
Classification: Uncertain significance for Hereditary nonpolyposis colorectal neoplasms. Last evaluated: 2023-02-08. Review status: criteria provided, single submitter. Criteria: Invitae Variant Classification Sherloc (09022015). Collection method: clinical testing. Allele origin: germline.
Comment: In summary, the available evidence is currently insufficient to determine the role of this variant in disease. Therefore, it has been classified as a Variant of Uncertain Significance. Advanced modeling of protein sequence and biophysical properties (such as structural, functional, and spatial information, amino acid conservation, physicochemical variation, residue mobility, and thermodynamic stability) performed at Invitae indicates that this missense variant is expected to disrupt PMS2 protein function. ClinVar contains an entry for this variant (Variation ID: 821157). This variant has not been reported in the literature in individuals affected with PMS2-related conditions. The frequency data for this variant in the population databases (gnomAD) is considered unreliable due to the presence of homologous sequence, such as pseudogenes or paralogs, in the genome. This sequence change replaces methionine, which is neutral and non-polar, with valine, which is neutral and non-polar, at codon 789 of the PMS2 protein (p.Met789Val).

Baylor Genetics
Classification: Uncertain significance for Lynch syndrome 4. Last evaluated: 2022-02-04. Review status: criteria provided, single submitter. Criteria: ACMG Guidelines, 2015. Collection method: clinical testing. Allele origin: unknown.